The following is an entry in ClinVar:

NM_004006.3(DMD):c.9807+2T>A

Gene: DMD (dystrophin; minus strand). Cytogenetic location: Xp21.2.
Variant type: single nucleotide variant.
Coding change: c.9807+2T>A on transcript NM_004006.3 (MANE Select); the canonical splice donor site of the intron after coding-DNA position 9807, T replaced by A.
Molecular consequence: splice donor variant.
Genome position (GRCh38, 1-based): chrX:31,203,959, A>T on the plus strand (T>A on the coding strand, the complement: DMD is on the minus strand). VCF-style: chrX-31203959-A-T. GRCh37 (hg19) VCF-style: chrX-31222076-A-T.
Other names: c.9783+2T>A (NM_000109.4); c.5784+2T>A (NM_004011.4); c.5775+2T>A (NM_004012.4); c.2427+2T>A (NM_004023.3, NM_004020.4, NM_004022.3 and 2 more transcripts); c.1620+2T>A (NM_004014.3); c.603+2T>A (NM_004018.3, NM_004017.3, NM_004016.3 and 2 more transcripts); c.9795+2T>A (NM_004009.3); c.9438+2T>A (NM_004010.3).
Identifiers: ClinVar variation 2834331 (VCV002834331.3), dbSNP rs2043792360, ClinGen allele CA412648333.

ClinVar aggregate classification (germline): Pathogenic (1 of 4 stars; one submission).

Conditions:
Duchenne muscular dystrophy (DMD). Also called: MUSCULAR DYSTROPHY, PSEUDOHYPERTROPHIC PROGRESSIVE, DUCHENNE TYPE; Duchenne Muscular Dystrophy (DMD). Identifiers: Orphanet 98896, MedGen C0013264, MONDO:0010679, OMIM 310200.

Submission:

Labcorp Genetics (formerly Invitae), Labcorp
Classification: Pathogenic for Duchenne muscular dystrophy. Last evaluated: 2023-02-03. Review status: criteria provided, single submitter. Criteria: Invitae Variant Classification Sherloc (09022015). Collection method: clinical testing. Allele origin: germline.
Comment: For these reasons, this variant has been classified as Pathogenic. Algorithms developed to predict the effect of sequence changes on RNA splicing suggest that this variant may disrupt the consensus splice site. Disruption of this splice site has been observed in individual(s) with dystrophinopathies (PMID: 19409785, 25972034). This variant is not present in population databases (gnomAD no frequency). This sequence change affects a donor splice site in intron 67 of the DMD gene. It is expected to disrupt RNA splicing. Variants that disrupt the donor or acceptor splice site typically lead to a loss of protein function (PMID: 16199547), and loss-of-function variants in DMD are known to be pathogenic (PMID: 16770791, 25007885).

Literature cited by the submitters: PubMed 19409785; PubMed 25972034; PubMed 16199547; PubMed 16770791; PubMed 25007885.